The following is an entry in ClinVar:

ClinVar aggregate classification (germline): Uncertain significance. Review status: criteria provided, multiple submitters, no conflicts (2 of 4 stars). 4 submissions from 4 submitters: Uncertain significance (3). 1 of the submissions does not count toward it. Last evaluated 2024-09-19.

Conditions:
Familial thoracic aortic aneurysm and aortic dissection (TAAD). Also called: Thoracic aortic aneurysms and dissections. Identifiers: Orphanet 91387, MedGen C4707243, MONDO:0019625.
HYPERHOMOCYSTEINEMIA, THROMBOTIC, CBS-RELATED. Identifiers: MedGen C3150344, OMIM 236200.
Classic homocystinuria. Also called: Homocystinuria due to CBS deficiency; Cystathionine beta-synthase deficiency; CBS deficiency; Homocystinuria due to Cystathionine Beta-Synthase Deficiency; HOMOCYSTINURIA WITH OR WITHOUT RESPONSE TO PYRIDOXINE. Identifiers: Orphanet 394, MedGen C0751202, MONDO:0009352, OMIM 236200.

Allele frequency attached by ClinVar (database versions not stated): ExAC 0.00002; gnomAD 0.00003; gnomAD exomes 0.00004; ESP Exome Variant Server 0.00008.

Submissions (4):

Ambry Genetics
Classification: Uncertain significance for Familial thoracic aortic aneurysm and aortic dissection. Last evaluated: 2024-09-19. Review status: criteria provided, single submitter. Criteria: Ambry Variant Classification Scheme 2023. Collection method: clinical testing. Allele origin: germline.
Comment: The p.L402P variant (also known as c.1205T>C), located in coding exon 11 of the CBS gene, results from a T to C substitution at nucleotide position 1205. The leucine at codon 402 is replaced by proline, an amino acid with similar properties. This amino acid position is poorly conserved in available vertebrate species. In addition, the in silico prediction for this alteration is inconclusive. Based on the available evidence, the clinical significance of this variant remains unclear.

Labcorp Genetics (formerly Invitae), Labcorp
Classification: Uncertain significance for HYPERHOMOCYSTEINEMIA, THROMBOTIC, CBS-RELATED. Last evaluated: 2024-01-02. Review status: criteria provided, single submitter. Criteria: Invitae Variant Classification Sherloc (09022015). Collection method: clinical testing. Allele origin: germline.
Comment: This sequence change replaces leucine, which is neutral and non-polar, with proline, which is neutral and non-polar, at codon 402 of the CBS protein (p.Leu402Pro). This variant is present in population databases (rs371214833, gnomAD 0.03%). This variant has not been reported in the literature in individuals affected with CBS-related conditions. ClinVar contains an entry for this variant (Variation ID: 471355). Advanced modeling of protein sequence and biophysical properties (such as structural, functional, and spatial information, amino acid conservation, physicochemical variation, residue mobility, and thermodynamic stability) performed at Invitae indicates that this missense variant is not expected to disrupt CBS protein function with a negative predictive value of 95%. In summary, the available evidence is currently insufficient to determine the role of this variant in disease. Therefore, it has been classified as a Variant of Uncertain Significance.

Illumina Laboratory Services, Illumina
Classification: Uncertain significance for Classic homocystinuria. Last evaluated: 2018-01-12. Review status: criteria provided, single submitter. Criteria: ICSL Variant Classification Criteria 13 December 2019. Collection method: clinical testing. Allele origin: germline.

Natera, Inc.
Classification: Uncertain significance for Homocystinuria due to cystathionine beta-synthase deficiency. Last evaluated: 2020-09-16. Review status: no assertion criteria provided. Collection method: clinical testing. Allele origin: germline. Not counted in ClinVar's aggregate classification.

NM_000071.3(CBS):c.1205T>C (p.Leu402Pro)

Gene: CBS (cystathionine beta-synthase; minus strand). Cytogenetic location: 21q22.3.
Variant type: single nucleotide variant.
Coding change: c.1205T>C on transcript NM_000071.3 (MANE Select); coding-DNA position 1205, T replaced by C.
Protein change: p.Leu402Pro; replaces leucine 402 with proline.
Molecular consequence: missense variant.
Genome position (GRCh38, 1-based): chr21:43,059,244, A>G on the plus strand (T>C on the coding strand, the complement: CBS is on the minus strand). VCF-style: chr21-43059244-A-G. GRCh37 (hg19) VCF-style: chr21-44479354-A-G.
Other names: c.1205T>C, p.Leu402Pro (NM_001178008.3, NM_001178009.3, NM_001320298.2); c.890T>C, p.Leu297Pro (NM_001321072.1); short protein forms L402P, L297P.
Identifiers: ClinVar variation 471355 (VCV000471355.11), dbSNP rs371214833, ClinGen allele CA321688584.